The following is an entry in ClinVar:

NM_174889.5(NDUFAF2):c.421G>A (p.Glu141Lys)

Gene: NDUFAF2 (NADH:ubiquinone oxidoreductase complex assembly factor 2; plus strand). Cytogenetic location: 5q12.1.
Variant type: single nucleotide variant.
Coding change: c.421G>A on transcript NM_174889.5 (MANE Select); coding-DNA position 421, G replaced by A.
Protein change: p.Glu141Lys; replaces glutamic acid 141 with lysine.
Molecular consequence: missense variant.
Genome position (GRCh38, 1-based): chr5:61,152,866, G>A. VCF-style: chr5-61152866-G-A. GRCh37 (hg19) VCF-style: chr5-60448693-G-A.
Other names: short protein forms E141K.
Identifiers: ClinVar variation 3360448 (VCV003360448.1).

ClinVar aggregate classification (germline): Uncertain significance (1 of 4 stars; one submission).

gnomAD v4.1: 2 of 1,610,534 alleles (0.00012%); highest among the groups gnomAD compares: Admixed American, 0.0017%; no homozygotes.

Submission:

GeneDx
Classification: Uncertain significance. Last evaluated: 2023-07-03. Review status: criteria provided, single submitter. Criteria: GeneDx Variant Classification Process June 2021. Collection method: clinical testing. Allele origin: germline. Affected: yes.
Comment: Not observed at significant frequency in large population cohorts (gnomAD); In silico analysis supports that this missense variant does not alter protein structure/function; Has not been previously published as pathogenic or benign to our knowledge